The following is an entry in ClinVar:

ClinVar aggregate classification (germline): Uncertain significance (1 of 4 stars; one submission).

Conditions:
BICC1-related disorder. Also called: BICC1-related condition.

gnomAD v4.1: 4 of 1,614,172 alleles (0.00025%); highest among the groups gnomAD compares: Non-Finnish European, 0.00034%; no homozygotes.

Submission:

PreventionGenetics, part of Exact Sciences
Classification: Uncertain significance for BICC1-related condition. Last evaluated: 2026-02-25. Review status: criteria provided, single submitter. Criteria: ACMG Guidelines, 2015. Collection method: clinical testing. Allele origin: germline.
Comment: The BICC1 c.940A>G variant is predicted to result in the amino acid substitution p.Thr314Ala. To our knowledge, this variant has not been reported in the literature or in a large population database (gnomAD), indicating this variant is rare. At this time, the clinical significance of this variant is uncertain due to the absence of conclusive functional and genetic evidence.

NM_001080512.3(BICC1):c.940A>G (p.Thr314Ala)

Gene: BICC1 (BicC family RNA binding protein 1; plus strand). Cytogenetic location: 10q21.1.
Variant type: single nucleotide variant.
Coding change: c.940A>G on transcript NM_001080512.3 (MANE Select); coding-DNA position 940, A replaced by G.
Protein change: p.Thr314Ala; replaces threonine 314 with alanine.
Molecular consequence: missense variant.
Genome position (GRCh38, 1-based): chr10:58,789,826, A>G. VCF-style: chr10-58789826-A-G. GRCh37 (hg19) VCF-style: chr10-60549586-A-G.
Other names: short protein forms T314A.
Identifiers: ClinVar variation 4994939 (VCV004994939.1).
Genomic context (GRCh38, chr10:58,789,826, plus strand): 5'-CAACATCATCTCTTTATGATGGGTCGAAATGGGAGCAACATCAAACATATCATGCAGAGA[A>G]CAGGTGCTCAGATCCACTTTCCTGATCCCAGTAATCCACAAAAGAAATCTACCGTCTACC-3'
Protein context (NP_001073981.1, residues 304-324): GSNIKHIMQR[Thr314Ala]GAQIHFPDPS